The following is an entry in ClinVar:

ClinVar aggregate classification (germline): Uncertain significance (1 of 4 stars; one submission).

Conditions:
Specific granule deficiency. Identifiers: Orphanet 169142, MedGen C0398593, MONDO:0009506.

Allele frequency attached by ClinVar (database versions not stated): gnomAD 0.00002; gnomAD exomes 0.00002.

Submission:

Labcorp Genetics (formerly Invitae), Labcorp
Classification: Uncertain significance for Specific granule deficiency. Last evaluated: 2022-02-04. Review status: criteria provided, single submitter. Criteria: Invitae Variant Classification Sherloc (09022015). Collection method: clinical testing. Allele origin: germline.
Comment: In summary, the available evidence is currently insufficient to determine the role of this variant in disease. Therefore, it has been classified as a Variant of Uncertain Significance. Algorithms developed to predict the effect of missense changes on protein structure and function output the following: SIFT: "Tolerated"; PolyPhen-2: "Benign"; Align-GVGD: "Class C0". The methionine amino acid residue is found in multiple mammalian species, which suggests that this missense change does not adversely affect protein function. This variant has not been reported in the literature in individuals affected with CEBPE-related conditions. This variant is present in population databases (no rsID available, gnomAD 0.003%). This sequence change replaces valine, which is neutral and non-polar, with methionine, which is neutral and non-polar, at codon 60 of the CEBPE protein (p.Val60Met).

NM_001805.4(CEBPE):c.178G>A (p.Val60Met)

Gene: CEBPE (CCAAT enhancer binding protein epsilon; minus strand). Cytogenetic location: 14q11.2.
Variant type: single nucleotide variant.
Coding change: c.178G>A on transcript NM_001805.4 (MANE Select); coding-DNA position 178, G replaced by A.
Protein change: p.Val60Met; replaces valine 60 with methionine.
Molecular consequence: missense variant.
Genome position (GRCh38, 1-based): chr14:23,118,914, C>T on the plus strand (G>A on the coding strand, the complement: CEBPE is on the minus strand). VCF-style: chr14-23118914-C-T. GRCh37 (hg19) VCF-style: chr14-23588123-C-T.
Other names: short protein forms V60M.
Identifiers: ClinVar variation 1940847 (VCV001940847.5), dbSNP rs1376968968, ClinGen allele CA388953636.
Genomic context (GRCh38, chr14:23,118,914, plus strand): 5'-AGTGGGGGAAGGCAGGGGTTCCGGGGCCCTTGAGGCCTCTGGCCTCAGGCGCTGGCTTCA[C>T]GGCAAAGAGATCGGAGAGAAGCTGCTCTTCCCCAGACTCGATGTAGGCGGAGAGGTCAAT-3'
Protein context (NP_001796.2, residues 50-70): EEQLLSDLFA[Val60Met]KPAPEARGLK